The following is an entry in ClinVar:

ClinVar aggregate classification (germline): Uncertain significance (1 of 4 stars; one submission).

Conditions:
Joubert syndrome 8 (JBTS8). Identifiers: Orphanet 475, MedGen C2676771, MONDO:0012855, OMIM 612291.

Allele frequency attached by ClinVar (database versions not stated): TOPMed below 0.00001; ExAC 0.00001; gnomAD exomes 0.00001.

Submission:

Labcorp Genetics (formerly Invitae), Labcorp
Classification: Uncertain significance for Joubert syndrome 8. Last evaluated: 2022-06-10. Review status: criteria provided, single submitter. Criteria: Invitae Variant Classification Sherloc (09022015). Collection method: clinical testing. Allele origin: germline.
Comment: In summary, the available evidence is currently insufficient to determine the role of this variant in disease. Therefore, it has been classified as a Variant of Uncertain Significance. Algorithms developed to predict the effect of missense changes on protein structure and function (SIFT, PolyPhen-2, Align-GVGD) all suggest that this variant is likely to be tolerated. This variant has not been reported in the literature in individuals affected with ARL13B-related conditions. This variant is present in population databases (rs763345333, gnomAD 0.002%). This sequence change replaces histidine, which is basic and polar, with tyrosine, which is neutral and polar, at codon 156 of the ARL13B protein (p.His156Tyr).

NM_001174150.2(ARL13B):c.466C>T (p.His156Tyr)

Gene: ARL13B (ARF like GTPase 13B; plus strand). Cytogenetic location: 3q11.2.
Variant type: single nucleotide variant.
Coding change: c.466C>T on transcript NM_001174150.2 (MANE Select); coding-DNA position 466, C replaced by T.
Protein change: p.His156Tyr; replaces histidine 156 with tyrosine.
Molecular consequence: missense variant. On other transcripts: non-coding transcript variant (2).
Genome position (GRCh38, 1-based): chr3:94,035,416, C>T. VCF-style: chr3-94035416-C-T. GRCh37 (hg19) VCF-style: chr3-93754260-C-T.
Other names: c.157C>T, p.His53Tyr (NM_001174151.2); c.421C>T, p.His141Tyr (NM_001321328.2); c.466C>T, p.His156Tyr (NM_001410782.1, NM_182896.3); c.145C>T, p.His49Tyr (NM_144996.4); short protein forms H156Y, H49Y, H141Y, H53Y.
Identifiers: ClinVar variation 2004487 (VCV002004487.4), dbSNP rs763345333, ClinGen allele CA2504042.
Genomic context (GRCh38, chr3:94,035,416, plus strand): 5'-GGAGCTTTAGGAGAAGCTGATGTCATTGAATGTCTATCTCTGGAAAAATTGGTCAATGAG[C>T]ACAAGTGCCTGTGTCAGATAGTAAGGTTTTTTTTTTTTTTTTAATTTTAATTTTTTGTCC-3'
Protein context (NP_001167621.1, residues 146-166): CLSLEKLVNE[His156Tyr]KCLCQIEPCS